The following is an entry in ClinVar:

NM_000383.4(AIRE):c.1055C>A (p.Ala352Glu)

Gene: AIRE (autoimmune regulator; plus strand). Cytogenetic location: 21q22.3.
Variant type: single nucleotide variant.
Coding change: c.1055C>A on transcript NM_000383.4 (MANE Select); coding-DNA position 1055, C replaced by A.
Protein change: p.Ala352Glu; replaces alanine 352 with glutamic acid.
Molecular consequence: missense variant.
Genome position (GRCh38, 1-based): chr21:44,292,361, C>A. VCF-style: chr21-44292361-C-A. GRCh37 (hg19) VCF-style: chr21-45712244-C-A.
Other names: short protein forms A352E.
Identifiers: ClinVar variation 4707426 (VCV004707426.1).

ClinVar aggregate classification (germline): Uncertain significance (1 of 4 stars; one submission).

Conditions:
Polyglandular autoimmune syndrome, type 1 (APS1). Also called: AUTOIMMUNE POLYENDOCRINE SYNDROME, TYPE I, WITH OR WITHOUT REVERSIBLE METAPHYSEAL DYSPLASIA; HYPOADRENOCORTICISM WITH HYPOPARATHYROIDISM AND SUPERFICIAL MONILIASIS; Autoimmune polyendocrine syndrome type 1; Autoimmune polyendocrinopathy syndrome, type I; PGA I; Whitaker syndrome. Identifiers: Orphanet 3453, MedGen C0085859, MONDO:0009411, OMIM 240300.

Submission:

Labcorp Genetics (formerly Invitae), Labcorp
Classification: Uncertain significance for Polyglandular autoimmune syndrome, type 1. Last evaluated: 2025-10-24. Review status: criteria provided, single submitter. Criteria: Invitae Variant Classification Sherloc (09022015). Collection method: clinical testing. Allele origin: germline.
Comment: This sequence change replaces alanine, which is neutral and non-polar, with glutamic acid, which is acidic and polar, at codon 352 of the AIRE protein (p.Ala352Glu). The frequency data for this variant in the population databases is considered unreliable, as metrics indicate poor data quality at this position in the gnomAD database. This variant has not been reported in the literature in individuals affected with AIRE-related conditions. Invitae Evidence Modeling of protein sequence and biophysical properties (such as structural, functional, and spatial information, amino acid conservation, physicochemical variation, residue mobility, and thermodynamic stability) indicates that this missense variant is not expected to disrupt AIRE protein function with a negative predictive value of 95%. In summary, the available evidence is currently insufficient to determine the role of this variant in disease. Therefore, it has been classified as a Variant of Uncertain Significance.